The following is an entry in ClinVar:

ClinVar aggregate classification (germline): Uncertain significance (1 of 4 stars; one submission).

Conditions:
Early-infantile DEE. Also called: Ohtahara syndrome; Early infantile epileptic encephalopathy with suppression bursts; Early infantile epileptic encephalopathy. Identifiers: Orphanet 1934, MedGen C0393706, MONDO:0800491.

Allele frequency attached by ClinVar (database versions not stated): TOPMed below 0.00001; ExAC 0.00001; gnomAD 0.00001; gnomAD exomes 0.00001 and 0.00002.
gnomAD v4.1: 19 of 1,613,894 alleles (0.0012%); highest among the groups gnomAD compares: Non-Finnish European, 0.00017%; no homozygotes.

Submission:

Labcorp Genetics (formerly Invitae), Labcorp
Classification: Uncertain significance for Early-infantile DEE. Last evaluated: 2023-08-17. Review status: criteria provided, single submitter. Criteria: Invitae Variant Classification Sherloc (09022015). Collection method: clinical testing. Allele origin: germline.
Comment: In summary, the available evidence is currently insufficient to determine the role of this variant in disease. Therefore, it has been classified as a Variant of Uncertain Significance. Advanced modeling of protein sequence and biophysical properties (such as structural, functional, and spatial information, amino acid conservation, physicochemical variation, residue mobility, and thermodynamic stability) has been performed at Invitae for this missense variant, however the output from this modeling did not meet the statistical confidence thresholds required to predict the impact of this variant on SPTAN1 protein function. ClinVar contains an entry for this variant (Variation ID: 530532). This variant has not been reported in the literature in individuals affected with SPTAN1-related conditions. This variant is present in population databases (rs768195496, gnomAD 0.04%). This sequence change replaces glutamic acid, which is acidic and polar, with valine, which is neutral and non-polar, at codon 2412 of the SPTAN1 protein (p.Glu2412Val).

NM_001130438.3(SPTAN1):c.7235A>T (p.Glu2412Val)

Gene: SPTAN1 (spectrin alpha, non-erythrocytic 1; plus strand). Cytogenetic location: 9q34.11.
Variant type: single nucleotide variant.
Coding change: c.7235A>T on transcript NM_001130438.3 (MANE Select); coding-DNA position 7235, A replaced by T.
Protein change: p.Glu2412Val; replaces glutamic acid 2412 with valine.
Molecular consequence: missense variant.
Genome position (GRCh38, 1-based): chr9:128,632,882, A>T. VCF-style: chr9-128632882-A-T. GRCh37 (hg19) VCF-style: chr9-131395161-A-T.
Other names: c.7160A>T, p.Glu2387Val (NM_001195532.2); c.7298A>T, p.Glu2433Val (NM_001363759.2); c.7175A>T, p.Glu2392Val (NM_001363765.2); c.7220A>T, p.Glu2407Val (NM_003127.4); short protein forms E2412V, E2387V, E2392V, E2433V, E2407V.
Identifiers: ClinVar variation 530532 (VCV000530532.9), dbSNP rs768195496, ClinGen allele CA5266040.